The following is an entry in ClinVar:

ClinVar aggregate classification (germline): Likely pathogenic (1 of 4 stars; one submission).

Conditions:
Mucopolysaccharidosis type 6 (MPS6). Also called: N-ACETYLGALACTOSAMINE-4-SULFATASE DEFICIENCY; MPS VI; MPS 6; Maroteaux Lamy syndrome; ARSB DEFICIENCY; ARYLSULFATASE B DEFICIENCY. Identifiers: Orphanet 583, MedGen C0026709, MONDO:0009661, OMIM 253200.

Submission:

Laboratory of Diagnosis and Therapy of Lysosomal Disorders, University of Padova
Classification: Likely pathogenic for Mucopolysaccharidosis type 6. Last evaluated: 2018-01-01. Review status: criteria provided, single submitter. Criteria: ACMG Guidelines, 2015. Collection method: curation. Allele origin: germline. Affected: yes.
Comment: Multiexon deletion (PVS1); Absent from GnomAD (PM2)

Literature cited by the submitters: PubMed 27797586; PubMed 30118150.

NM_000046.4(ARSB):c.313-7412_690+1601del

Gene: ARSB (arylsulfatase B; minus strand). Cytogenetic location: 5q14.1.
Variant type: Deletion.
Coding change: c.313-7412_690+1601del on transcript NM_000046.4; 7412 bases into the intron before coding-DNA position 313 through 1601 bases into the intron after coding-DNA position 690, this stretch deleted.
Identifiers: ClinVar variation 559834 (VCV000559834.1).